The following is an entry in ClinVar:

ClinVar aggregate classification (germline): Likely benign. Review status: criteria provided, multiple submitters, no conflicts (2 of 4 stars). 2 submissions from 2 submitters: Likely benign (2). Last evaluated 2025-03-16.

Conditions:
Progressive sclerosing poliodystrophy (MTDPS4A). Also called: Alpers-Huttenlocher Syndrome (AHS); Alpers Syndrome; ALPERS PROGRESSIVE INFANTILE POLIODYSTROPHY; Mitochondrial DNA depletion syndrome 4A (Alpers type); ALPERS DIFFUSE DEGENERATION OF CEREBRAL GRAY MATTER WITH HEPATIC CIRRHOSIS; Alpers-Huttenlocher Syndrome. Identifiers: Orphanet 726, MedGen C0205710, MONDO:0008758, OMIM 203700.

Allele frequency attached by ClinVar (database versions not stated): gnomAD exomes below 0.00001.
gnomAD v4.1: 3 of 1,612,594 alleles (0.00019%); highest among the groups gnomAD compares: Non-Finnish European, 0.00017%; no homozygotes.

Submissions (2):

Labcorp Genetics (formerly Invitae), Labcorp
Classification: Likely benign for Progressive sclerosing poliodystrophy. Last evaluated: 2025-03-16. Review status: criteria provided, single submitter. Criteria: Invitae Variant Classification Sherloc (09022015). Collection method: clinical testing. Allele origin: germline.

Wong Mito Lab, Molecular and Human Genetics, Baylor College of Medicine
Classification: Likely benign for Progressive sclerosing poliodystrophy. Last evaluated: 2018-10-01. Review status: criteria provided, single submitter. Criteria: ACMG Guidelines, 2015. Collection method: clinical testing. Allele origin: germline.
Comment: The NM_002693.2:c.2071-4C>T (NP_002684.1:p.=) [GRCH38: NC_000015.10:g.89323905G>A] variant in POLG gene is interpretated to be a Likely Benign based on ACMG guidelines (PMID: 25741868). This variant meets the following evidence codes reported in the ACMG-guideline. BP4:Computational evidence/predictors indicate no impact on the POLG structure, function, or protein-protein interaction. BP6:Reputable source(s) without shared data suggest the variant is benign. Based on the evidence criteria codes applied, the variant is suggested to be Likely Benign.

NM_002693.3(POLG):c.2071-4C>T

Gene: POLG (DNA polymerase gamma, catalytic subunit; minus strand). Cytogenetic location: 15q26.1.
Variant type: single nucleotide variant.
Coding change: c.2071-4C>T on transcript NM_002693.3 (MANE Select); 4 bases into the intron before coding-DNA position 2071, C replaced by T.
Molecular consequence: intron variant.
Genome position (GRCh38, 1-based): chr15:89,323,905, G>A on the plus strand (C>T on the coding strand, the complement: POLG is on the minus strand). VCF-style: chr15-89323905-G-A. GRCh37 (hg19) VCF-style: chr15-89867136-G-A.
Other names: c.2071-4C>T (NM_001126131.2).
Identifiers: ClinVar variation 619461 (VCV000619461.2), dbSNP rs1567188491, ClinGen allele CA10602313.